The following is an entry in ClinVar:

NM_000492.4(CFTR):c.2078T>C (p.Phe693Ser)

Gene: CFTR (CF transmembrane conductance regulator; plus strand). Cytogenetic location: 7q31.2.
Variant type: single nucleotide variant.
Coding change: c.2078T>C on transcript NM_000492.4 (MANE Select); coding-DNA position 2078, T replaced by C.
Protein change: p.Phe693Ser; replaces phenylalanine 693 with serine.
Molecular consequence: missense variant.
Genome position (GRCh38, 1-based): chr7:117,592,245, T>C. VCF-style: chr7-117592245-T-C. GRCh37 (hg19) VCF-style: chr7-117232299-T-C.
Other names: short protein forms F693S.
Identifiers: ClinVar variation 4227389 (VCV004227389.1).
Genomic context (GRCh38, chr7:117,592,245, plus strand): 5'-GAGATGCTCCTGTCTCCTGGACAGAAACAAAAAAACAATCTTTTAAACAGACTGGAGAGT[T>C]TGGGGAAAAAAGGAAGAATTCTATTCTCAATCCAATCAACTCTATACGAAAATTTTCCAT-3'
Protein context (NP_000483.3, residues 683-703): KKQSFKQTGE[Phe693Ser]GEKRKNSILN

ClinVar aggregate classification (germline): Uncertain significance (1 of 4 stars; one submission).

Conditions:
Cystic fibrosis (CF). Also called: MUCOVISCIDOSIS. Identifiers: Orphanet 586, MedGen C0010674, MONDO:0009061, OMIM 219700. Disease mechanism: loss of function.

gnomAD v4.1: 1 of 1,613,672 alleles (0.000062%); highest among the groups gnomAD compares: African/African-American, 0.0013%; no homozygotes.

Submission:

Ambry Genetics
Classification: Uncertain significance for Cystic fibrosis. Last evaluated: 2025-07-08. Review status: criteria provided, single submitter. Criteria: Ambry Variant Classification Scheme 2023. Collection method: clinical testing. Allele origin: germline.
Comment: The p.F693S variant (also known as c.2078T>C), located in coding exon 14 of the CFTR gene, results from a T to C substitution at nucleotide position 2078. The phenylalanine at codon 693 is replaced by serine, an amino acid with highly dissimilar properties. This amino acid position is not well conserved in available vertebrate species. In addition, the in silico prediction for this alteration is inconclusive. Based on the available evidence, the clinical significance of this variant remains unclear.